The following is an entry in ClinVar:

ClinVar aggregate classification (germline): Uncertain significance (1 of 4 stars; one submission).

Conditions:
Hao-Fountain syndrome due to USP7 mutation. Also called: USP7-Related Hao Fountain Syndrome. Identifiers: Orphanet 643538, MedGen C5816734, MONDO:0958071, OMIM 616863.

gnomAD v4.1: 6 of 1,614,056 alleles (0.00037%); highest among the groups gnomAD compares: Non-Finnish European, 0.00051%; no homozygotes.

Submission:

Servicio de Genética Del Instituto Nacional de Salud Del Niño, Ministerio de Salud
Classification: Uncertain significance for Hao-Fountain syndrome due to USP7 mutation. Last evaluated: 2024-11-18. Review status: criteria provided, single submitter. Criteria: ACMG Guidelines, 2015. Collection method: clinical testing. Allele origin: germline. Inheritance: Autosomal dominant inheritance.
Comment: The variant NM_003470.3:c.229C>T, p.Arg77Cys results in the substitution of arginine with cysteine at position 77 in the protein. Arginine is a positively charged amino acid, while cysteine can form disulfide bonds due to its thiol group. The substitution could potentially affect the protein’s structure or stability. Based on the ACMG/AMP guidelines, PP2 (relevant amino acid substitution in a conserved region), the variant is classified as uncertain significance.

NM_003470.3(USP7):c.229C>T (p.Arg77Cys)

Gene: USP7 (ubiquitin specific peptidase 7; minus strand). Cytogenetic location: 16p13.2.
Variant type: single nucleotide variant.
Coding change: c.229C>T on transcript NM_003470.3 (MANE Select); coding-DNA position 229, C replaced by T.
Protein change: p.Arg77Cys; replaces arginine 77 with cysteine.
Molecular consequence: missense variant. On other transcripts: 5 prime UTR variant (1), non-coding transcript variant (1).
Genome position (GRCh38, 1-based): chr16:8,923,369, G>A on the plus strand (C>T on the coding strand, the complement: USP7 is on the minus strand). VCF-style: chr16-8923369-G-A. GRCh37 (hg19) VCF-style: chr16-9017226-G-A.
Other names: c.181C>T, p.Arg61Cys (NM_001286457.2); c.-69C>T (NM_001286458.2); c.55C>T, p.Arg19Cys (NM_001321858.2); short protein forms R19C, R61C, R77C.
Identifiers: ClinVar variation 3381234 (VCV003381234.2).
Genomic context (GRCh38, chr16:8,923,369, plus strand): 5'-ATGGCAGATTTCGCACAAAACACGGAGGGCTAAGGACCGACTCACTCAGTCTGCTGAAGC[G>A]CTCCACAGTGAACTGAAAGGTTGCCTCGGAGCGCCAACTGGTGTCTGCAAAAAAAACACA-3'
Protein context (NP_003461.2, residues 67-87): SEATFQFTVE[Arg77Cys]FSRLSESVLS